The following is an entry in ClinVar:

ClinVar aggregate classification (germline): Likely benign. Review status: criteria provided, multiple submitters, no conflicts (2 of 4 stars). 2 submissions from 2 submitters: Likely benign (2). Last evaluated 2025-09-24.

Conditions:
Long QT syndrome (LQTS). Identifiers: MedGen C0023976, MeSH D008133, MONDO:0002442. Disease mechanism: loss of function. Inheritance: Various modes of inheritance.

gnomAD v4.1: 2 of 1,613,594 alleles (0.00012%); highest among the groups gnomAD compares: Non-Finnish European, 0.00017%; no homozygotes.

Submissions (2):

Labcorp Genetics (formerly Invitae), Labcorp
Classification: Likely benign for Long QT syndrome. Last evaluated: 2025-09-24. Review status: criteria provided, single submitter. Criteria: Invitae Variant Classification Sherloc (09022015). Collection method: clinical testing. Allele origin: germline.

All of Us Research Program, National Institutes of Health
Classification: Likely benign for Long QT syndrome. Last evaluated: 2024-07-20. Review status: criteria provided, single submitter. Criteria: ACMG Guidelines, 2015. Collection method: clinical testing. Allele origin: germline. Inheritance: Autosomal dominant inheritance. Observed: 1 variant allele, 1 heterozygote.
Comment: This study involves interpretation of variants in research participants for the purpose of population health screening. Participant phenotype was not available at the time of variant classification. Additional details can be found in publication PMID: 35346344, PMCID: PMC8962531

NM_000218.3(KCNQ1):c.1733-11A>G

Gene: KCNQ1 (potassium voltage-gated channel subfamily Q member 1; plus strand). Cytogenetic location: 11p15.5.
Variant type: single nucleotide variant.
Coding change: c.1733-11A>G on transcript NM_000218.3 (MANE Select); 11 bases into the intron before coding-DNA position 1733, A replaced by G.
Molecular consequence: intron variant.
Genome position (GRCh38, 1-based): chr11:2,777,965, A>G. VCF-style: chr11-2777965-A-G. GRCh37 (hg19) VCF-style: chr11-2799195-A-G.
Other names: c.1463-11A>G (NM_001406837.1); c.1637-11A>G (NM_001406836.1); c.1193-11A>G (NM_001406838.1); c.1352-11A>G (NM_181798.2); c.245-11A>G (NM_001406839.1).
Identifiers: ClinVar variation 3386949 (VCV003386949.2).